The following is an entry in ClinVar:

ClinVar aggregate classification (germline): Uncertain significance (1 of 4 stars; one submission).

Conditions:
Autosomal dominant nonsyndromic hearing loss 1. Also called: DEAFNESS, AUTOSOMAL DOMINANT 1, WITH OR WITHOUT THROMBOCYTOPENIA; KONIGSMARK SYNDROME. Identifiers: Orphanet 90635, MedGen C1852282, MONDO:0007424, OMIM 124900.
Progressive microcephaly-seizures-cortical blindness-developmental delay syndrome. Also called: Seizures, cortical blindness, and microcephaly syndrome. Identifiers: Orphanet 477814, MedGen C5567650, MONDO:0014714, OMIM 616632.

Allele frequency attached by ClinVar (database versions not stated): TOPMed below 0.00001.

Submission:

Labcorp Genetics (formerly Invitae), Labcorp
Classification: Uncertain significance for Progressive microcephaly-seizures-cortical blindness-developmental delay syndrome; Autosomal dominant nonsyndromic hearing loss 1. Last evaluated: 2022-08-23. Review status: criteria provided, single submitter. Criteria: Invitae Variant Classification Sherloc (09022015). Collection method: clinical testing. Allele origin: germline.
Comment: This variant is not present in population databases (gnomAD no frequency). This sequence change replaces serine, which is neutral and polar, with phenylalanine, which is neutral and non-polar, at codon 820 of the DIAPH1 protein (p.Ser820Phe). This variant has not been reported in the literature in individuals affected with DIAPH1-related conditions. Algorithms developed to predict the effect of missense changes on protein structure and function are either unavailable or do not agree on the potential impact of this missense change (SIFT: "Deleterious"; PolyPhen-2: "Possibly Damaging"; Align-GVGD: "Class C0"). In summary, the available evidence is currently insufficient to determine the role of this variant in disease. Therefore, it has been classified as a Variant of Uncertain Significance.

NM_005219.5(DIAPH1):c.2459C>T (p.Ser820Phe)

Gene: DIAPH1 (diaphanous related formin 1; minus strand). Cytogenetic location: 5q31.3.
Variant type: single nucleotide variant.
Coding change: c.2459C>T on transcript NM_005219.5 (MANE Select); coding-DNA position 2459, C replaced by T.
Protein change: p.Ser820Phe; replaces serine 820 with phenylalanine.
Molecular consequence: missense variant.
Genome position (GRCh38, 1-based): chr5:141,571,940, G>A on the plus strand (C>T on the coding strand, the complement: DIAPH1 is on the minus strand). VCF-style: chr5-141571940-G-A. GRCh37 (hg19) VCF-style: chr5-140951507-G-A.
Other names: c.2432C>T, p.Ser811Phe (NM_001079812.3); c.2459C>T, p.Ser820Phe (NM_001314007.2); short protein forms S811F, S820F.
Identifiers: ClinVar variation 2184561 (VCV002184561.4), dbSNP rs2099895247, ClinGen allele CA361512805.
Genomic context (GRCh38, chr5:141,571,940, plus strand): 5'-TCTAAGCCCTACACTGGACCTTTGCATCAAAGAGGAAGGTACTCACTCTTGGTCTGGGCA[G>A]AGAAGGTAAGGGTAAGTTTGGCGAAAAGTTCATTGTTCTCAAAGCGGTCCTCCTTCACCT-3'
Protein context (NP_005210.3, residues 810-830): ELFAKLTLTF[Ser820Phe]AQTKTSKAKK